The following is an entry in ClinVar:

ClinVar aggregate classification (germline): Conflicting classifications of pathogenicity. Review status: criteria provided, conflicting classifications (1 of 4 stars). 3 submissions from 3 submitters: Likely pathogenic (1); Uncertain significance (1). 1 of the submissions does not count toward it. Last evaluated 2023-08-30.

Conditions:
Waardenburg syndrome type 2E (WS2E). Also called: WAARDENBURG SYNDROME, TYPE 2E, WITH OR WITHOUT NEUROLOGIC INVOLVEMENT; WS2E, WITH OR WITHOUT NEUROLOGIC INVOLVEMENT; HYPOGONADOTROPIC HYPOGONADISM WITH ANOSMIA AND DEAFNESS, WITH OR WITHOUT HYPOPIGMENTATION. Identifiers: Orphanet 3440, MedGen C2700405, MONDO:0012698, OMIM 611584.

Submissions (3):

GeneDx
Classification: Likely pathogenic. Last evaluated: 2023-08-30. Review status: criteria provided, single submitter. Criteria: GeneDx Variant Classification Process June 2021. Collection method: clinical testing. Allele origin: germline. Affected: yes.
Comment: Not observed at significant frequency in large population cohorts (gnomAD); In silico analysis supports that this missense variant has a deleterious effect on protein structure/function; This variant is associated with the following publications: (PMID: 30394532)

Clinical Genetics Laboratory, Skane University Hospital Lund
Classification: Uncertain significance. Last evaluated: 2022-05-30. Review status: criteria provided, single submitter. Criteria: ACMG Guidelines, 2015. Collection method: clinical testing. Allele origin: germline. Affected: yes.

Kasturba Medical College, Manipal, Kasturba Medical College, Manipal, Manipal Academy of Higher Education, Manipal, India
Classification: Uncertain significance for Waardenburg syndrome type 2E. Last evaluated: 2018-05-15. Review status: no assertion criteria provided. Collection method: research. Allele origin: unknown. Inheritance: Autosomal dominant inheritance. Affected: yes. Observed: 1 variant allele, 1 heterozygote. Not counted in ClinVar's aggregate classification.

NM_006941.4(SOX10):c.415G>T (p.Gly139Cys)

Genes: POLR2F (RNA polymerase II, I and III subunit F; plus strand), SOX10 (SRY-box transcription factor 10; minus strand). Cytogenetic location: 22q13.1.
Variant type: single nucleotide variant.
Coding change: c.415G>T on transcript NM_006941.4 (MANE Select); coding-DNA position 415, G replaced by T.
Protein change: p.Gly139Cys; replaces glycine 139 with cysteine.
Molecular consequence: missense variant. On other transcripts: intron variant (3).
Genome position (GRCh38, 1-based): chr22:37,983,370, C>A on the plus strand (G>T on the coding strand, the complement: SOX10 is on the minus strand). VCF-style: chr22-37983370-C-A. GRCh37 (hg19) VCF-style: chr22-38379377-C-A.
Other names: c.*38+11060C>A (NM_001363825.1); c.294-2784C>A (NM_001301130.2); c.293+16200C>A (NM_001301131.2); short protein forms G139C.
Identifiers: ClinVar variation 545013 (VCV000545013.8), dbSNP rs1569171143, ClinGen allele CA411500057.
Genomic context (GRCh38, chr22:37,983,370, plus strand): 5'-CACCCGAAGCTAGAGGGCCCGAGCCCGGGGGGCGGTCGGGTGCTCACCTCCAGAGCTTGC[C>A]CAGCGTCTTGCTGAGCTCAGCGTTGTGCAGGTGCGGGTACTGGTCCGCGAGCTTCCTGCG-3'
Protein context (NP_008872.1, residues 129-149): LHNAELSKTL[Gly139Cys]KLWRLLNESD